The following is an entry in ClinVar:

NM_005068.3(SIM1):c.1412G>C (p.Arg471Pro)

Genes: SIM1 (SIM bHLH transcription factor 1; minus strand), SIM1-AS1 (SIM1 antisense RNA 1; plus strand). Cytogenetic location: 6q16.3.
Variant type: single nucleotide variant.
Coding change: c.1412G>C on transcript NM_005068.3 (MANE Select); coding-DNA position 1412, G replaced by C.
Protein change: p.Arg471Pro; replaces arginine 471 with proline.
Molecular consequence: missense variant.
Genome position (GRCh38, 1-based): chr6:100,393,645, C>G on the plus strand (G>C on the coding strand, the complement: SIM1 is on the minus strand). VCF-style: chr6-100393645-C-G. GRCh37 (hg19) VCF-style: chr6-100841521-C-G.
Other names: c.1412G>C, p.Arg471Pro (NM_001374769.1); short protein forms R471P.
Identifiers: ClinVar variation 1188137 (VCV001188137.3), dbSNP rs367796843, ClinGen allele CA3937029.
Genomic context (GRCh38, chr6:100,393,645, plus strand): 5'-CCCCACCAGGGCTCCCTCCCGGCCTGCGGCGTTCCCAGGAAGTACCTGCCTGCCTCACAT[C>G]GGCCTCCTTCACAGGCCTGGGTATGGAAATGCCTCTCTTCCACCAGCCTCGAGTGGTCAA-3'
Protein context (NP_005059.2, residues 461-481): HFHTQACEGG[Arg471Pro]CEAGRYFLGT

ClinVar aggregate classification (germline): Conflicting classifications of pathogenicity. Review status: criteria provided, conflicting classifications (1 of 4 stars). 2 submissions from 2 submitters: Uncertain significance (1); Likely benign (1). Last evaluated 2025-07-22.

Conditions:
SIM1-related disorder. Also called: SIM1-related condition; SIM1-related disorders.

Allele frequency attached by ClinVar (database versions not stated): gnomAD 0.00001; ESP Exome Variant Server 0.00008.
gnomAD v4.1: 7 of 1,613,978 alleles (0.00043%); highest among the groups gnomAD compares: Admixed American, 0.0033%; no homozygotes.

Submissions (2):

PreventionGenetics, part of Exact Sciences
Classification: Uncertain significance for SIM1-related condition. Last evaluated: 2025-07-22. Review status: criteria provided, single submitter. Criteria: ACMG Guidelines, 2015. Collection method: clinical testing. Allele origin: germline.
Comment: The SIM1 c.1412G>C variant is predicted to result in the amino acid substitution p.Arg471Pro. To our knowledge, this variant has not been reported in the literature or in a large population database (gnomAD), indicating this variant is rare. At this time, the clinical significance of this variant is uncertain due to the absence of conclusive functional and genetic evidence.

GeneDx
Classification: Likely benign. Last evaluated: 2019-08-29. Review status: criteria provided, single submitter. Criteria: GeneDx Variant Classification Process June 2021. Collection method: clinical testing. Allele origin: germline. Affected: yes.
Comment: Not observed in large population cohorts (Lek et al., 2016); In silico analysis, which includes protein predictors and evolutionary conservation, supports that this variant does not alter protein structure/function; This variant is associated with the following publications: (PMID: 24097297)